The following is an entry in ClinVar:

ClinVar aggregate classification (germline): Uncertain significance (1 of 4 stars; one submission).

Conditions:
Dyskeratosis congenita, autosomal dominant 2. Identifiers: MedGen C3151443, MONDO:0013521, OMIM 613989.
Idiopathic Pulmonary Fibrosis. Also called: Idiopathic fibrosing alveolitis, chronic form; idiopathic fibrosing alveolitis. Identifiers: Orphanet 2032, MedGen C1800706, MeSH D054990, MONDO:0800504.

Submission:

Labcorp Genetics (formerly Invitae), Labcorp
Classification: Uncertain significance for Dyskeratosis congenita, autosomal dominant 2; Idiopathic Pulmonary Fibrosis. Last evaluated: 2023-03-23. Review status: criteria provided, single submitter. Criteria: Invitae Variant Classification Sherloc (09022015). Collection method: clinical testing. Allele origin: germline.
Comment: This variant is not present in population databases (gnomAD no frequency). This variant has not been reported in the literature in individuals affected with TERT-related conditions. ClinVar contains an entry for this variant (Variation ID: 1003223). Advanced modeling of protein sequence and biophysical properties (such as structural, functional, and spatial information, amino acid conservation, physicochemical variation, residue mobility, and thermodynamic stability) performed at Invitae indicates that this missense variant is not expected to disrupt TERT protein function. In summary, the available evidence is currently insufficient to determine the role of this variant in disease. Therefore, it has been classified as a Variant of Uncertain Significance. This sequence change replaces valine, which is neutral and non-polar, with isoleucine, which is neutral and non-polar, at codon 920 of the TERT protein (p.Val920Ile).

NM_198253.3(TERT):c.2758G>A (p.Val920Ile)

Gene: TERT (telomerase reverse transcriptase; minus strand). Cytogenetic location: 5p15.33.
Variant type: single nucleotide variant.
Coding change: c.2758G>A on transcript NM_198253.3 (MANE Select); coding-DNA position 2758, G replaced by A.
Protein change: p.Val920Ile; replaces valine 920 with isoleucine.
Molecular consequence: missense variant. On other transcripts: intron variant (1).
Genome position (GRCh38, 1-based): chr5:1,264,489, C>T on the plus strand (G>A on the coding strand, the complement: TERT is on the minus strand). VCF-style: chr5-1264489-C-T. GRCh37 (hg19) VCF-style: chr5-1264604-C-T.
Other names: c.2654+1975G>A (NM_001193376.3); short protein forms V920I.
Identifiers: ClinVar variation 1003223 (VCV001003223.9), dbSNP rs1748456126, ClinGen allele CA359071847.